The following is an entry in ClinVar:

NM_032043.3(BRIP1):c.3290A>C (p.Glu1097Ala)

Gene: BRIP1 (BRCA1 interacting DNA helicase 1; minus strand). Cytogenetic location: 17q23.2.
Variant type: single nucleotide variant.
Coding change: c.3290A>C on transcript NM_032043.3 (MANE Select); coding-DNA position 3290, A replaced by C.
Protein change: p.Glu1097Ala; replaces glutamic acid 1097 with alanine.
Molecular consequence: missense variant.
Genome position (GRCh38, 1-based): chr17:61,683,756, T>G on the plus strand (A>C on the coding strand, the complement: BRIP1 is on the minus strand). VCF-style: chr17-61683756-T-G. GRCh37 (hg19) VCF-style: chr17-59761117-T-G.
Other names: short protein forms E1097A.
Identifiers: ClinVar variation 230751 (VCV000230751.26), dbSNP rs876658746, ClinGen allele CA10580778.
Genomic context (GRCh38, chr17:61,683,756, plus strand): 5'-GAAGTGGACTGTTTATCTTCTTCACTTACTAGAGACAATTCAATGTCTGGATCCAGGGCT[T>G]CTTCAGAACAGAGCGGATGTTCAGAATGATTTTTTCTAGTAAGGGTGGCATCAATCTTTA-3'
Protein context (NP_114432.2, residues 1087-1107): NHSEHPLCSE[Glu1097Ala]ALDPDIELSL

ClinVar aggregate classification (germline): Uncertain significance. Review status: criteria provided, multiple submitters, no conflicts (2 of 4 stars). 7 submissions from 7 submitters: Uncertain significance (7). Last evaluated 2025-11-18.

Conditions:
Hereditary cancer-predisposing syndrome. Also called: Hereditary Cancer Syndrome; Neoplastic Syndromes, Hereditary; Tumor predisposition; Hereditary neoplastic syndrome. Identifiers: Orphanet 140162, MedGen C0027672, MeSH D009386, MONDO:0015356.
Fanconi anemia complementation group J. Also called: BRIP1-Related Fanconi Anemia. Identifiers: Orphanet 84, MedGen C1836860, MONDO:0012187, OMIM 609054.
Familial cancer of breast. Also called: Hereditary breast cancer; hereditary breast carcinoma; BREAST CANCER, FAMILIAL. Identifiers: Orphanet 227535, MedGen C0346153, MONDO:0016419, OMIM 114480. Disease mechanism: loss of function.

Allele frequency attached by ClinVar (database versions not stated): gnomAD exomes below 0.00001; gnomAD 0.00001; TOPMed 0.00002.
gnomAD v4.1: 9 of 1,614,084 alleles (0.00056%); highest among the groups gnomAD compares: African/African-American, 0.004%; no homozygotes.

Submissions (7):

Labcorp Genetics (formerly Invitae), Labcorp
Classification: Uncertain significance for Familial cancer of breast; Fanconi anemia complementation group J. Last evaluated: 2025-11-18. Review status: criteria provided, single submitter. Criteria: Invitae Variant Classification Sherloc (09022015). Collection method: clinical testing. Allele origin: germline.
Comment: This sequence change replaces glutamic acid, which is acidic and polar, with alanine, which is neutral and non-polar, at codon 1097 of the BRIP1 protein (p.Glu1097Ala). This variant is present in population databases (no rsID available, gnomAD 0.007%). This missense change has been observed in individual(s) with breast cancer (PMID: 26921362). ClinVar contains an entry for this variant (Variation ID: 230751). Invitae Evidence Modeling of protein sequence and biophysical properties (such as structural, functional, and spatial information, amino acid conservation, physicochemical variation, residue mobility, and thermodynamic stability) indicates that this missense variant is not expected to disrupt BRIP1 protein function with a negative predictive value of 95%. In summary, the available evidence is currently insufficient to determine the role of this variant in disease. Therefore, it has been classified as a Variant of Uncertain Significance.

Ambry Genetics
Classification: Uncertain significance for Hereditary cancer-predisposing syndrome. Last evaluated: 2025-02-11. Review status: criteria provided, single submitter. Criteria: Ambry Variant Classification Scheme 2023. Collection method: clinical testing. Allele origin: germline.
Comment: The p.E1097A variant (also known as c.3290A>C), located in coding exon 19 of the BRIP1 gene, results from an A to C substitution at nucleotide position 3290. The glutamic acid at codon 1097 is replaced by alanine, an amino acid with dissimilar properties. This alteration was observed within 1/64523 individuals with a personal history of breast cancer and in 1/51973 controls (Easton DF et al. J Med Genet, 2016 05;53:298-309). This amino acid position is not well conserved in available vertebrate species. In addition, this alteration is predicted to be tolerated by in silico analysis. Based on the available evidence, the clinical significance of this variant remains unclear.

GeneDx
Classification: Uncertain significance. Last evaluated: 2024-09-12. Review status: criteria provided, single submitter. Criteria: GeneDx Variant Classification Process June 2021. Collection method: clinical testing. Allele origin: germline. Affected: yes.
Comment: Not observed at a significant frequency in large population cohorts (gnomAD); In silico analysis, which includes protein predictors and evolutionary conservation, supports that this variant does not alter protein structure/function; Observed in cases and controls in a breast cancer study (PMID: 26921362); This variant is associated with the following publications: (PMID: 26921362, 36243179)

Quest Diagnostics Nichols Institute San Juan Capistrano
Classification: Uncertain significance. Last evaluated: 2024-08-30. Review status: criteria provided, single submitter. Criteria: Quest Diagnostics criteria. Collection method: clinical testing. Allele origin: unknown.
Comment: The BRIP1 c.3290A>C (p.Glu1097Ala) variant has been reported in the published literature in individuals affected with breast cancer (PMID: 26921362 (2016), 33471991 (2021), see also LOVD) as well as reportedly healthy individuals (PMID: 26921362 (2016), 33471991 (2021), see also LOVD, 36243179 (2022)). The frequency of this variant in the general population, 0.000004 (1/250890 chromosomes (Genome Aggregation Database)), is uninformative in the assessment of its pathogenicity. Analysis of this variant using bioinformatics tools for the prediction of the effect of amino acid changes on protein structure and function yielded predictions that this variant is benign. Based on the available information, we are unable to determine the clinical significance of this variant.

Color Diagnostics, LLC DBA Color Health
Classification: Uncertain significance for Hereditary cancer-predisposing syndrome. Last evaluated: 2024-03-27. Review status: criteria provided, single submitter. Criteria: ACMG Guidelines, 2015. Collection method: clinical testing. Allele origin: germline.
Comment: This missense variant replaces glutamic acid with alanine at codon 1097 of the BRIP1 protein. Computational prediction suggests that this variant may not impact protein structure and function. To our knowledge, functional studies have not been reported for this variant. In a breast cancer study, this variant was reported in 1/13213 cases, and 1/5242 controls (PMID: 26921362). This variant has been identified in 1/250890 chromosomes in the general population by the Genome Aggregation Database (gnomAD). The available evidence is insufficient to determine the role of this variant in disease conclusively. Therefore, this variant is classified as a Variant of Uncertain Significance.

Baylor Genetics
Classification: Uncertain significance for Familial cancer of breast. Last evaluated: 2023-12-19. Review status: criteria provided, single submitter. Criteria: ACMG Guidelines, 2015. Collection method: clinical testing. Allele origin: unknown.

Women's Health and Genetics/Laboratory Corporation of America, LabCorp
Classification: Uncertain significance. Last evaluated: 2017-08-21. Review status: criteria provided, single submitter. Criteria: LabCorp Variant Classification Summary - May 2015. Collection method: clinical testing. Allele origin: germline.
Comment: Variant summary: The BRIP1 c.3290A>C (p.Glu1097Ala) variant involves the alteration of a non-conserved nucleotide. 4/5 in silico tools predict a benign outcome for this variant. This variant was found in 1/131630 control chromosomes at a frequency of 0.0000076, which does not exceed the estimated maximal expected allele frequency of a pathogenic BRIP1 variant (0.0000625). To our knowledge, the variant has been reported once in the literature, without strong evidence for causality. In addition, one clinical diagnostic laboratory/reputable database classified this variant as uncertain significance. Taken together, this variant is classified as VUS.

Literature cited by the submitters: PubMed 26921362 (cited by 4 submitters); PubMed 33471991 (cited by Quest Diagnostics Nichols Institute San Juan Capistrano); PubMed 36243179 (cited by Quest Diagnostics Nichols Institute San Juan Capistrano).